The following is an entry in ClinVar:

ClinVar aggregate classification (germline): Uncertain significance (1 of 4 stars; one submission).

Conditions:
Common variable immunodeficiency (CVID). Also called: Common variable hypogamma-globulinemia; Common variable agammaglobulinemia. Identifiers: Orphanet 1572, MedGen C0009447, MONDO:0015517.

Submission:

Labcorp Genetics (formerly Invitae), Labcorp
Classification: Uncertain significance for Common variable immunodeficiency. Last evaluated: 2023-02-16. Review status: criteria provided, single submitter. Criteria: Invitae Variant Classification Sherloc (09022015). Collection method: clinical testing. Allele origin: germline.
Comment: Algorithms developed to predict the effect of missense changes on protein structure and function output the following: SIFT: "Not Available"; PolyPhen-2: "Benign"; Align-GVGD: "Not Available". The lysine amino acid residue is found in multiple mammalian species, which suggests that this missense change does not adversely affect protein function. This variant has not been reported in the literature in individuals affected with TNFSF12-related conditions. This variant is not present in population databases (gnomAD no frequency). This sequence change replaces glutamic acid, which is acidic and polar, with lysine, which is basic and polar, at codon 63 of the TNFSF12 protein (p.Glu63Lys). In summary, the available evidence is currently insufficient to determine the role of this variant in disease. Therefore, it has been classified as a Variant of Uncertain Significance.

NM_003809.3(TNFSF12):c.187G>A (p.Glu63Lys)

Genes: TNFSF12 (TNF superfamily member 12; plus strand), TNFSF12-TNFSF13 (TNFSF12-TNFSF13 readthrough; plus strand). Cytogenetic location: 17p13.1.
Variant type: single nucleotide variant.
Coding change: c.187G>A on transcript NM_003809.3 (MANE Select); coding-DNA position 187, G replaced by A.
Protein change: p.Glu63Lys; replaces glutamic acid 63 with lysine.
Molecular consequence: missense variant. On other transcripts: non-coding transcript variant (1).
Genome position (GRCh38, 1-based): chr17:7,549,501, G>A. VCF-style: chr17-7549501-G-A. GRCh37 (hg19) VCF-style: chr17-7452818-G-A.
Other names: c.187G>A, p.Glu63Lys (NM_172089.4); short protein forms E63K.
Identifiers: ClinVar variation 2838265 (VCV002838265.3), dbSNP rs2508307992, ClinGen allele CA397855109.